The following is an entry in ClinVar:

NM_024649.5(BBS1):c.1450G>A (p.Glu484Lys)

Genes: BBS1 (Bardet-Biedl syndrome 1; plus strand), ZDHHC24 (zDHHC palmitoyltransferase 24; minus strand). Cytogenetic location: 11q13.2.
Variant type: single nucleotide variant.
Coding change: c.1450G>A on transcript NM_024649.5 (MANE Select); coding-DNA position 1450, G replaced by A.
Protein change: p.Glu484Lys; replaces glutamic acid 484 with lysine.
Molecular consequence: missense variant. On other transcripts: intron variant (1).
Genome position (GRCh38, 1-based): chr11:66,529,929, G>A. VCF-style: chr11-66529929-G-A. GRCh37 (hg19) VCF-style: chr11-66297400-G-A.
Other names: c.560-441C>T (NM_001348571.2); short protein forms E484K.
Identifiers: ClinVar variation 4990011 (VCV004990011.1).

ClinVar aggregate classification (germline): Uncertain significance (1 of 4 stars; one submission).

Conditions:
BBS1-related disorder. Also called: BBS1-related condition.

gnomAD v4.1: 3 of 1,604,868 alleles (0.00019%); highest among the groups gnomAD compares: African/African-American, 0.0027%; no homozygotes.

Submission:

PreventionGenetics, part of Exact Sciences
Classification: Uncertain significance for BBS1-related condition. Last evaluated: 2025-02-05. Review status: criteria provided, single submitter. Criteria: ACMG Guidelines, 2015. Collection method: clinical testing. Allele origin: germline.
Comment: The BBS1 c.1450G>A variant is predicted to result in the amino acid substitution p.Glu484Lys. To our knowledge, this variant has not been reported in the literature. This variant is reported in 0.0063% of alleles in individuals of African descent in gnomAD (GnomAD). At this time, the clinical significance of this variant is uncertain due to the absence of conclusive functional and genetic evidence.